The following is an entry in ClinVar:

ClinVar aggregate classification (germline): Likely benign. Review status: criteria provided, multiple submitters, no conflicts (2 of 4 stars). 3 submissions from 3 submitters: Likely benign (2). 1 of the submissions does not count toward it. Last evaluated 2024-07-31.

Conditions:
ITGA8-related disorder. Also called: ITGA8-related condition.

Allele frequency attached by ClinVar (database versions not stated): gnomAD exomes 0.00006; gnomAD 0.00007; ESP Exome Variant Server 0.00008; 1000 Genomes Project 0.00020; ExAC 0.00021; 1000 Genomes Project 30x 0.00031.
gnomAD v4.1: 102 of 1,613,048 alleles (0.0063%); highest among the groups gnomAD compares: Middle Eastern, 0.15%; no homozygotes.

Submissions (3):

Labcorp Genetics (formerly Invitae), Labcorp
Classification: Likely benign. Last evaluated: 2024-07-31. Review status: criteria provided, single submitter. Criteria: Invitae Variant Classification Sherloc (09022015). Collection method: clinical testing. Allele origin: germline.

Blueprint Genetics
Classification: Likely benign. Last evaluated: 2023-02-17. Review status: criteria provided, single submitter. Criteria: ACMG Guidelines, 2015. Collection method: clinical testing. Allele origin: germline.

PreventionGenetics, part of Exact Sciences
Classification: Likely benign for ITGA8-related condition. Last evaluated: 2022-05-25. Review status: no assertion criteria provided. Collection method: clinical testing. Allele origin: germline. Not counted in ClinVar's aggregate classification.
Comment: This variant is classified as likely benign based on ACMG/AMP sequence variant interpretation guidelines (Richards et al. 2015 PMID: 25741868, with internal and published modifications).

NM_003638.3(ITGA8):c.2341A>G (p.Ile781Val)

Gene: ITGA8 (integrin subunit alpha 8; minus strand). Cytogenetic location: 10p13.
Variant type: single nucleotide variant.
Coding change: c.2341A>G on transcript NM_003638.3 (MANE Select); coding-DNA position 2341, A replaced by G.
Protein change: p.Ile781Val; replaces isoleucine 781 with valine.
Molecular consequence: missense variant.
Genome position (GRCh38, 1-based): chr10:15,586,615, T>C on the plus strand (A>G on the coding strand, the complement: ITGA8 is on the minus strand). VCF-style: chr10-15586615-T-C. GRCh37 (hg19) VCF-style: chr10-15628614-T-C.
Other names: c.2296A>G, p.Ile766Val (NM_001291494.2); c.2341A>G (NM_003638.2); short protein forms I766V, I781V.
Identifiers: ClinVar variation 2075814 (VCV002075814.7), dbSNP rs144194608, ClinGen allele CA5419885.